The following is an entry in ClinVar:

ClinVar aggregate classification (germline): Likely pathogenic (1 of 4 stars; one submission).

Conditions:
Hereditary pheochromocytoma and paraganglioma. Also called: Hereditary pheochromocytoma-paraganglioma; Hereditary Paraganglioma-Pheochromocytoma Syndromes; Hereditary paragangliomas and pheochromocytomas. Identifiers: Orphanet 29072, MedGen C4274332, MONDO:0017366.

Submission:

Laboratory for Molecular Medicine, Mass General Brigham Personalized Medicine
Classification: Likely pathogenic for Hereditary pheochromocytoma and paraganglioma. Last evaluated: 2018-04-02. Review status: criteria provided, single submitter. Criteria: ACMG Guidelines, 2015. Collection method: clinical testing. Allele origin: germline. Inheritance: Autosomal dominant inheritance.
Comment: The p.Gly28fs variant in SDHB has not been previously reported in individuals with hereditary paraganglioma-pheochromocytoma and was absent from large population studies. This variant is predicted to cause a frameshift, which alters the protein’s amino acid sequence beginning at position 28 and leads to a premature termination codon 49 amino acids downstream. This alteration is then predicted to lead to a truncated or absent protein. Heterozygous loss of function of the SDHB gene is an established disease mechanism in hereditary paraganglioma-pheochromocytoma. In summary, although additional studies are required to fully establish its clinical significance, the p.Gly28GlufsX49 variant is likely pathogenic. ACMG/AMP Criteria applied: PVS1; PM2.

NM_003000.3(SDHB):c.81del (p.Gly28fs)

Gene: SDHB (succinate dehydrogenase complex iron sulfur subunit B; minus strand). Cytogenetic location: 1p36.13.
Variant type: Deletion.
Coding change: c.81del on transcript NM_003000.3 (MANE Select); coding-DNA position 81, one base deleted (A; older notation c.81delA).
Protein change: p.Gly28fs; shifts the reading frame from glycine 28.
Molecular consequence: frameshift variant.
Genome position (GRCh38, 1-based): chr1:17,044,880, T deleted on the plus strand (A on the coding strand, the reverse complement: SDHB is on the minus strand). VCF-style (leftmost placement, unchanged base first): chr1-17044879-CT-C. GRCh37 (hg19) VCF-style: chr1-17371374-CT-C.
Other names: c.81del, p.Gly28fs (NM_001407361.1); short protein forms G28fs.
Identifiers: ClinVar variation 3076063 (VCV003076063.1), dbSNP rs2525060115, ClinGen allele CA913187523.